The following is an entry in ClinVar:

NM_144658.4(DOCK11):c.2820G>A (p.Thr940=)

Gene: DOCK11 (dedicator of cytokinesis 11; plus strand). Cytogenetic location: Xq24.
Variant type: single nucleotide variant.
Coding change: c.2820G>A on transcript NM_144658.4 (MANE Select); coding-DNA position 2820, G replaced by A.
Protein change: p.Thr940=; no amino-acid change (threonine 940 retained).
Molecular consequence: synonymous variant.
Genome position (GRCh38, 1-based): chrX:118,608,299, G>A. VCF-style: chrX-118608299-G-A. GRCh37 (hg19) VCF-style: chrX-117742262-G-A.
Identifiers: ClinVar variation 2661268 (VCV002661268.24), dbSNP rs776597583, ClinGen allele CA10499220.
Genomic context (GRCh38, chrX:118,608,299, plus strand): 5'-CCGACCTGAAAAACCGAGTGCTCCTCAGGCCCAGCTGATACATGAAACCCTGGCTACTAC[G>A]ATGATAGCAATATTGAAACAGTCTGCAGATTTTTTATCAATAAACAAATTGCTAAAGGTA-3'
Protein context (NP_653259.3, residues 930-950): AQLIHETLAT[Thr940=]MIAILKQSAD

ClinVar aggregate classification (germline): Likely benign (1 of 4 stars; one submission).

Allele frequency attached by ClinVar (database versions not stated): gnomAD 0.00002; gnomAD exomes 0.00002; TOPMed 0.00003; ExAC 0.00007.
gnomAD v4.1: 22 of 1,209,285 alleles (0.0018%); highest among the groups gnomAD compares: Middle Eastern, 0.023%; no homozygotes.

Submission:

CeGaT Center for Human Genetics Tuebingen
Classification: Likely benign. Last evaluated: 2022-11-01. Review status: criteria provided, single submitter. Criteria: CeGaT Center For Human Genetics Tuebingen Variant Classification Criteria Version 2. Collection method: clinical testing. Allele origin: germline. Affected: yes. Observed: 1 variant allele.
Comment: DOCK11: BP4, BP7, BS2